The following is an entry in ClinVar:

NM_000264.5(PTCH1):c.4231G>A (p.Asp1411Asn)

Gene: PTCH1 (patched 1; minus strand). Cytogenetic location: 9q22.32.
Variant type: single nucleotide variant.
Coding change: c.4231G>A on transcript NM_000264.5 (MANE Select); coding-DNA position 4231, G replaced by A.
Protein change: p.Asp1411Asn; replaces aspartic acid 1411 with asparagine.
Molecular consequence: missense variant. On other transcripts: non-coding transcript variant (1).
Genome position (GRCh38, 1-based): chr9:95,447,025, C>T on the plus strand (G>A on the coding strand, the complement: PTCH1 is on the minus strand). VCF-style: chr9-95447025-C-T. GRCh37 (hg19) VCF-style: chr9-98209307-C-T.
Other names: c.4033G>A, p.Asp1345Asn (NM_001083602.3); c.4228G>A, p.Asp1410Asn (NM_001083603.3); c.3778G>A, p.Asp1260Asn (NM_001083604.3, NM_001083605.3, NM_001083606.3 and 1 more transcripts); c.4075G>A, p.Asp1359Asn (NM_001354918.2); short protein forms D1260N, D1411N, D1345N, D1359N, D1410N.
Identifiers: ClinVar variation 5027537 (VCV005027537.1).
Genomic context (GRCh38, chr9:95,447,025, plus strand): 5'-CAATGACTTCCACCTTCGAATCCCTCCTCTCACACCGGACGTGGAAAGGCACGTGGGGGT[C>T]CTCAAACAGGCCGTGGTCAGTCTCAGGGTAGCCTGGGCAGAGTCCCCCTCGGGGGTTCCG-3'
Protein context (NP_000255.2, residues 1401-1421): YPETDHGLFE[Asp1411Asn]PHVPFHVRCE

ClinVar aggregate classification (germline): Uncertain significance (1 of 4 stars; one submission).

Conditions:
Hereditary cancer-predisposing syndrome. Also called: Neoplastic Syndromes, Hereditary; Tumor predisposition; Hereditary neoplastic syndrome; Hereditary Cancer Syndrome. Identifiers: Orphanet 140162, MedGen C0027672, MeSH D009386, MONDO:0015356.

gnomAD v4.1: 1 of 1,614,212 alleles (0.000062%); highest among the groups gnomAD compares: South Asian, 0.0011%; no homozygotes.

Submission:

Ambry Genetics
Classification: Uncertain significance for Hereditary cancer-predisposing syndrome. Last evaluated: 2026-08-08. Review status: criteria provided, single submitter. Criteria: Ambry Variant Classification Scheme 2023. Collection method: clinical testing. Allele origin: germline.
Comment: The p.D1411N variant (also known as c.4231G>A), located in coding exon 23 of the PTCH1 gene, results from a G to A substitution at nucleotide position 4231. The aspartic acid at codon 1411 is replaced by asparagine, an amino acid with highly similar properties. This amino acid position is conserved. In addition, the in silico prediction for this alteration is inconclusive. Based on the available evidence, the clinical significance of this variant remains unclear.